The following is an entry in ClinVar:

GRCh38/hg38 21q22.12(chr21:34894689-35253552)x1

Genes: RUNX1 (RUNX family transcription factor 1; minus strand), RUNX1-IT1 (RUNX1 intronic transcript 1; minus strand), LOC109648314 (RUNX1 enhancer RE1; plus strand), LOC109648317 (enhancer 4 sub-fragment of super-enhancer upstream of RUNX1; plus strand), LOC112694741 (BRD4-independent group 4 enhancer GRCh37_chr21:36604354-36605553; plus strand) and 15 more. Cytogenetic location: 21q22.12.
Variant type: copy number loss.
Change: copy number 1 (one copy instead of two) of chr21:34,894,689-35,253,552 (358.9 kb, GRCh38 coordinates, 1-based), cytogenetic band 21q22.12.
Identifiers: ClinVar variation 4890987 (VCV004890987.1).

ClinVar aggregate classification (germline): Pathogenic (1 of 4 stars; one submission).

Submission:

Clinical Genomics Laboratory, Laboratory for Precision Diagnostics, University of Washington
Classification: Pathogenic. Last evaluated: 2023-02-15. Review status: criteria provided, single submitter. Criteria: ACMG/ClinGen CNV Guidelines, 2019. Collection method: clinical testing. Allele origin: unknown. Affected: yes. Observed: 1 variant allele.
Comment: This interstitial deletion is approximately 360 kb in size and removes exons 1 and 2 from RUNX1 (NM_001754.5 OMIM 151385). Exon 2 is a coding exon, so this deletion is expected to result in loss of function of this copy of the gene. Exon 3 of RUNX1 is in the gap between probes on the array, so may or may not be removed by this deletion. Heterozygous constitutional loss of function variants in RUNX1 cause familial platelet disorder (FPD, OMIM 601399) with an increased chance of developing a myeloid cancer, most commonly acute myeloid leukemia and myeloid dysplastic syndrome. People with RUNX1-FPDMM typically have prolonged bleeding, bruise easily, and about half have skin conditions such as eczema and psoriasis. Up to 50% of people with RUNX1-FPDMM develop MDS or AML. Deletions of exons 1 and 2, as seen here, have been reported in multiple unrelated affected families (PMID: 29666006, PMID: 35533071, PMID: 32098966).

Literature cited by the submitters: PubMed 27584908; PubMed 29666006; PubMed 35533071; PubMed 32098966.